The following is an entry in ClinVar:

NM_007294.4(BRCA1):c.3990C>T (p.Ser1330=)

Genes: BRCA1 (BRCA1 DNA repair associated; minus strand), LOC126862571 (BRD4-independent group 4 enhancer GRCh37_chr17:41243136-41244335; plus strand). Cytogenetic location: 17q21.31.
Variant type: single nucleotide variant.
Coding change: c.3990C>T on transcript NM_007294.4 (MANE Select); coding-DNA position 3990, C replaced by T.
Protein change: p.Ser1330=; no amino-acid change (serine 1330 retained).
Molecular consequence: synonymous variant. On other transcripts: intron variant (135).
Genome position (GRCh38, 1-based): chr17:43,091,541, G>A on the plus strand (C>T on the coding strand, the complement: BRCA1 is on the minus strand). VCF-style: chr17-43091541-G-A. GRCh37 (hg19) VCF-style: chr17-41243558-G-A.
Other names: c.3777C>T, p.Ser1259= (NM_001407571.1, NM_001407853.1, NM_001407894.1 and 9 more transcripts); c.3990C>T, p.Ser1330= (NM_001407581.1, NM_001407582.1, NM_001407583.1 and 30 more transcripts); c.3987C>T, p.Ser1329= (NM_001407587.1, NM_001407590.1, NM_001407591.1 and 22 more transcripts); c.3981C>T, p.Ser1327= (NM_001407646.1, NM_001407647.1); c.3867C>T, p.Ser1289= (NM_001407648.1, NM_001407664.1, NM_001407665.1 and 19 more transcripts); c.3864C>T, p.Ser1288= (NM_001407649.1, NM_001407670.1, NM_001407671.1 and 11 more transcripts); c.3912C>T, p.Ser1304= (NM_001407653.1, NM_001407654.1, NM_001407655.1 and 4 more transcripts); c.3909C>T, p.Ser1303= (NM_001407659.1, NM_001407660.1, NM_001407661.1 and 1 more transcripts); and 41 more.
Identifiers: ClinVar variation 234038 (VCV000234038.16), dbSNP rs876660808, ClinGen allele CA10580537.

ClinVar aggregate classification (germline): Likely benign. Review status: reviewed by expert panel (3 of 4 stars). 3 submissions from 3 submitters: Likely benign (1). 2 of the submissions do not count toward it. Last evaluated 2017-06-29.

Conditions:
Hereditary breast ovarian cancer syndrome. Also called: Breast and ovarian cancer; Hereditary breast and ovarian cancer; Hereditary breast and ovarian cancer syndrome; Hereditary breast and/or ovarian cancer syndrome; BRCA1- and BRCA2-Associated Hereditary Breast and Ovarian Cancer; Hereditary breast and ovarian cancer syndrome (HBOC). Identifiers: Orphanet 145, MedGen C0677776, MeSH D061325, MONDO:0003582. Disease mechanism: loss of function.
Breast-ovarian cancer, familial, susceptibility to, 1 (BROVCA1). Also called: BRCA1 Hereditary Breast and Ovarian Cancer; OVARIAN CANCER, SUSCEPTIBILITY TO. Identifiers: Orphanet 145, MedGen C2676676, MONDO:0011450, OMIM 604370. Disease mechanism: loss of function.
Hereditary cancer-predisposing syndrome. Also called: Tumor predisposition; Hereditary Cancer Syndrome; Neoplastic Syndromes, Hereditary; Hereditary neoplastic syndrome. Identifiers: Orphanet 140162, MedGen C0027672, MeSH D009386, MONDO:0015356.

Submissions (3):

Evidence-based Network for the Interpretation of Germline Mutant Alleles (ENIGMA)
Classification: Likely benign for Breast-ovarian cancer, familial, susceptibility to, 1. Last evaluated: 2017-06-29. Review status: reviewed by expert panel. Criteria: ENIGMA BRCA1/2 Classification Criteria (2017-06-29). Collection method: curation. Allele origin: germline.
Comment: Synonymous substitution variant, with low bioinformatic likelihood to result in a splicing aberration (Splicing prior probability 0.02).

Labcorp Genetics (formerly Invitae), Labcorp
Classification: Likely benign for Hereditary breast ovarian cancer syndrome. Last evaluated: 2025-05-05. Review status: criteria provided, single submitter. Criteria: Invitae Variant Classification Sherloc (09022015). Collection method: clinical testing. Allele origin: germline. Not counted in ClinVar's aggregate classification.

Ambry Genetics
Classification: Likely benign for Hereditary cancer-predisposing syndrome. Last evaluated: 2015-09-21. Review status: criteria provided, single submitter. Criteria: Ambry Variant Classification Scheme 2023. Collection method: clinical testing. Allele origin: germline. Not counted in ClinVar's aggregate classification.